The following is an entry in ClinVar:

ClinVar aggregate classification (germline): Uncertain significance. Review status: criteria provided, multiple submitters, no conflicts (2 of 4 stars). 2 submissions from 2 submitters: Uncertain significance (2). Last evaluated 2025-11-17.

Conditions:
Hereditary cancer-predisposing syndrome. Also called: Hereditary Cancer Syndrome; Tumor predisposition; Hereditary neoplastic syndrome; Neoplastic Syndromes, Hereditary. Identifiers: Orphanet 140162, MedGen C0027672, MeSH D009386, MONDO:0015356.
DICER1-related tumor predisposition. Also called: DICER1-related pleuropulmonary blastoma cancer predisposition syndrome; DICER1 syndrome. Identifiers: Orphanet 284343, MedGen C3839822, MONDO:0100216.

Allele frequency attached by ClinVar (database versions not stated): gnomAD exomes below 0.00001.
gnomAD v4.1: 1 of 1,614,008 alleles (0.000062%); highest among the groups gnomAD compares: Non-Finnish European, 0.000085%; no homozygotes.

Submissions (2):

Ambry Genetics
Classification: Uncertain significance for Hereditary cancer-predisposing syndrome. Last evaluated: 2025-11-17. Review status: criteria provided, single submitter. Criteria: Ambry Variant Classification Scheme 2023. Collection method: clinical testing. Allele origin: germline.
Comment: The p.E898D variant (also known as c.2694A>C), located in coding exon 16 of the DICER1 gene, results from an A to C substitution at nucleotide position 2694. The glutamic acid at codon 898 is replaced by aspartic acid, an amino acid with highly similar properties. This amino acid position is conserved. In addition, this alteration is predicted to be tolerated by in silico analysis. Based on the available evidence, the clinical significance of this variant remains unclear.

Labcorp Genetics (formerly Invitae), Labcorp
Classification: Uncertain significance for DICER1-related tumor predisposition. Last evaluated: 2023-10-25. Review status: criteria provided, single submitter. Criteria: Invitae Variant Classification Sherloc (09022015). Collection method: clinical testing. Allele origin: germline.
Comment: This sequence change replaces glutamic acid, which is acidic and polar, with aspartic acid, which is acidic and polar, at codon 898 of the DICER1 protein (p.Glu898Asp). This variant is not present in population databases (gnomAD no frequency). This variant has not been reported in the literature in individuals affected with DICER1-related conditions. ClinVar contains an entry for this variant (Variation ID: 1995989). Advanced modeling of protein sequence and biophysical properties (such as structural, functional, and spatial information, amino acid conservation, physicochemical variation, residue mobility, and thermodynamic stability) performed at Invitae indicates that this missense variant is not expected to disrupt DICER1 protein function with a negative predictive value of 80%. In summary, the available evidence is currently insufficient to determine the role of this variant in disease. Therefore, it has been classified as a Variant of Uncertain Significance.

NM_177438.3(DICER1):c.2694A>C (p.Glu898Asp)

Gene: DICER1 (dicer 1, ribonuclease III; minus strand). Cytogenetic location: 14q32.13.
Variant type: single nucleotide variant.
Coding change: c.2694A>C on transcript NM_177438.3 (MANE Select); coding-DNA position 2694, A replaced by C.
Protein change: p.Glu898Asp; replaces glutamic acid 898 with aspartic acid.
Molecular consequence: missense variant. On other transcripts: non-coding transcript variant (6).
Genome position (GRCh38, 1-based): chr14:95,107,718, T>G on the plus strand (A>C on the coding strand, the complement: DICER1 is on the minus strand). VCF-style: chr14-95107718-T-G. GRCh37 (hg19) VCF-style: chr14-95574055-T-G.
Other names: c.2694A>C, p.Glu898Asp (NM_001195573.1, NM_001271282.3, NM_001291628.2 and 13 more transcripts); c.2412A>C, p.Glu804Asp (NM_001395686.1); c.2289A>C, p.Glu763Asp (NM_001395687.1, NM_001395688.1, NM_001395689.1 and 2 more transcripts); c.2127A>C, p.Glu709Asp (NM_001395691.1); c.1011A>C, p.Glu337Asp (NM_001395697.1); short protein forms E709D, E337D, E898D, E763D, E804D.
Identifiers: ClinVar variation 1995989 (VCV001995989.5), dbSNP rs2542831529, ClinGen allele CA390879654.